The following is an entry in ClinVar:

NM_018896.5(CACNA1G):c.2060A>G (p.Asp687Gly)

Gene: CACNA1G (calcium voltage-gated channel subunit alpha1 G; plus strand). Cytogenetic location: 17q21.33.
Variant type: single nucleotide variant.
Coding change: c.2060A>G on transcript NM_018896.5 (MANE Select); coding-DNA position 2060, A replaced by G.
Protein change: p.Asp687Gly; replaces aspartic acid 687 with glycine.
Molecular consequence: missense variant. On other transcripts: non-coding transcript variant (5).
Genome position (GRCh38, 1-based): chr17:50,578,323, A>G. VCF-style: chr17-50578323-A-G. GRCh37 (hg19) VCF-style: chr17-48655684-A-G.
Other names: c.2060A>G, p.Asp687Gly (NM_001256324.2, NM_001256325.2, NM_001256326.2 and 24 more transcripts); short protein forms D687G.
Identifiers: ClinVar variation 4852284 (VCV004852284.1).

ClinVar aggregate classification (germline): Likely benign (1 of 4 stars; one submission).

Conditions:
Spinocerebellar ataxia 42, early-onset, severe, with neurodevelopmental deficits. Identifiers: MedGen C4748120, MONDO:0060758, OMIM 618087.

gnomAD v4.1: 2 of 1,613,066 alleles (0.00012%); highest among the groups gnomAD compares: South Asian, 0.0022%; no homozygotes.

Submission:

Centre for Medical Genetics,  Mumbai
Classification: Likely benign for Spinocerebellar ataxia 42, early-onset, severe, with neurodevelopmental deficits. Last evaluated: 2026-05-04. Review status: criteria provided, single submitter. Criteria: ACMG Guidelines, 2015. Collection method: provider interpretation. Allele origin: germline. Inheritance: Autosomal dominant inheritance. Affected: no. Observed: 1 variant allele, 1 heterozygote.
Comment: The variant satisfies PM2 criteria - extremely low frequency in gnomAD population databases. The variant satisfies PP2 criteria - missense variant in a gene with low rate of benign missense mutations and for which missense mutation is a common mechanism of a disease. However, the variant satisfies BS2 criteria - present in heterozygous state in an individual that clinically does not have spinocerebellar ataxia 42, early-onset, severe, with neurodevelopmental deficits.

Literature cited by the submitters: PubMed 29878067.